The following is an entry in ClinVar:

NM_001200.4(BMP2):c.502C>A (p.His168Asn)

Gene: BMP2 (bone morphogenetic protein 2; plus strand). Cytogenetic location: 20p12.3.
Variant type: single nucleotide variant.
Coding change: c.502C>A on transcript NM_001200.4 (MANE Select); coding-DNA position 502, C replaced by A.
Protein change: p.His168Asn; replaces histidine 168 with asparagine.
Molecular consequence: missense variant.
Genome position (GRCh38, 1-based): chr20:6,778,400, C>A. VCF-style: chr20-6778400-C-A. GRCh37 (hg19) VCF-style: chr20-6759047-C-A.
Other names: short protein forms H168N.
Identifiers: ClinVar variation 3372725 (VCV003372725.2).

ClinVar aggregate classification (germline): Uncertain significance. Review status: criteria provided, multiple submitters, no conflicts (2 of 4 stars). 2 submissions from 2 submitters: Uncertain significance (2). Last evaluated 2025-03-26.

Conditions:
Inborn genetic diseases. Identifiers: MedGen C0950123, MeSH D030342.

gnomAD v4.1: 3 of 1,614,064 alleles (0.00019%); highest among the groups gnomAD compares: African/African-American, 0.004%; no homozygotes.

Submissions (2):

Ambry Genetics
Classification: Uncertain significance for Inborn genetic diseases. Last evaluated: 2025-03-26. Review status: criteria provided, single submitter. Criteria: Ambry Variant Classification Scheme 2023. Collection method: clinical testing. Allele origin: germline.

GeneDx
Classification: Uncertain significance. Last evaluated: 2024-04-22. Review status: criteria provided, single submitter. Criteria: GeneDx Variant Classification Process June 2021. Collection method: clinical testing. Allele origin: germline. Affected: yes.
Comment: In silico analysis indicates that this missense variant does not alter protein structure/function; Has not been previously published as pathogenic or benign to our knowledge